The following is an entry in ClinVar:

NM_001163809.2(WDR81):c.2362C>T (p.Arg788Trp)

Gene: WDR81 (WD repeat domain 81; plus strand). Cytogenetic location: 17p13.3.
Variant type: single nucleotide variant.
Coding change: c.2362C>T on transcript NM_001163809.2 (MANE Select); coding-DNA position 2362, C replaced by T.
Protein change: p.Arg788Trp; replaces arginine 788 with tryptophan.
Molecular consequence: missense variant. On other transcripts: intron variant (3).
Genome position (GRCh38, 1-based): chr17:1,727,321, C>T. VCF-style: chr17-1727321-C-T. GRCh37 (hg19) VCF-style: chr17-1630615-C-T.
Other names: c.-123-669C>T (NM_152348.4); c.59-3059C>T (NM_001163673.2); c.-15+2535C>T (NM_001163811.2); c.2362C>T (NM_001163809.1); short protein forms R788W.
Identifiers: ClinVar variation 3239119 (VCV003239119.22), dbSNP rs746764989.

ClinVar aggregate classification (germline): Uncertain significance. Review status: criteria provided, multiple submitters, no conflicts (2 of 4 stars). 3 submissions from 3 submitters: Uncertain significance (3). Last evaluated 2026-05-24.

Allele frequency attached by ClinVar (database versions not stated): ExAC 0.00005; gnomAD exomes 0.00006.
gnomAD v4.1: 89 of 1,549,734 alleles (0.0057%); highest among the groups gnomAD compares: Non-Finnish European, 0.0073%; no homozygotes.

Submissions (3):

GeneDx
Classification: Uncertain significance. Last evaluated: 2026-05-24. Review status: criteria provided, single submitter. Criteria: GeneDx Variant Classification Process June 2021. Collection method: clinical testing. Allele origin: germline.
Comment: Not observed at significant frequency in large population cohorts (gnomAD); In silico analysis supports that this missense variant has a deleterious effect on protein structure/function; Has not been previously published as pathogenic or benign to our knowledge

Women's Health and Genetics/Laboratory Corporation of America, LabCorp
Classification: Uncertain significance. Last evaluated: 2025-01-02. Review status: criteria provided, single submitter. Criteria: LabCorp Variant Classification Summary - May 2015. Collection method: clinical testing. Allele origin: germline.
Comment: Variant summary: WDR81 c.2362C>T (p.Arg788Trp) results in a non-conservative amino acid change in the encoded protein sequence. Two of three in-silico tools predict a damaging effect of the variant on protein function. The variant allele was found at a frequency of 5.8e-05 in 1542808 control chromosomes, predominantly at a frequency of 7.3e-05 within the Non-Finnish European subpopulation in the gnomAD database (v4.1 dataset). To our knowledge, no occurrence of c.2362C>T in individuals affected with Cerebellar Ataxia, Intellectual Disability, And Dysequilibrium Syndrome 2 and no experimental evidence demonstrating its impact on protein function have been reported. ClinVar contains an entry for this variant (Variation ID: 3239119). Based on the evidence outlined above, the variant was classified as uncertain significance.

CeGaT Center for Human Genetics Tuebingen
Classification: Uncertain significance. Last evaluated: 2024-05-01. Review status: criteria provided, single submitter. Criteria: CeGaT Center For Human Genetics Tuebingen Variant Classification Criteria Version 2. Collection method: clinical testing. Allele origin: germline. Affected: yes. Observed: 1 variant allele.